The following is an entry in ClinVar:

NM_003482.4(KMT2D):c.13304C>A (p.Ala4435Asp)

Gene: KMT2D (lysine methyltransferase 2D; minus strand). Cytogenetic location: 12q13.12.
Variant type: single nucleotide variant.
Coding change: c.13304C>A on transcript NM_003482.4 (MANE Select); coding-DNA position 13304, C replaced by A.
Protein change: p.Ala4435Asp; replaces alanine 4435 with aspartic acid.
Molecular consequence: missense variant.
Genome position (GRCh38, 1-based): chr12:49,031,401, G>T on the plus strand (C>A on the coding strand, the complement: KMT2D is on the minus strand). VCF-style: chr12-49031401-G-T. GRCh37 (hg19) VCF-style: chr12-49425184-G-T.
Other names: short protein forms A4435D.
Identifiers: ClinVar variation 3623992 (VCV003623992.2).

ClinVar aggregate classification (germline): Uncertain significance (1 of 4 stars; one submission).

Conditions:
Kabuki syndrome. Also called: Kabuki make-up syndrome; NIIKAWA-KUROKI SYNDROME. Identifiers: Orphanet 2322, MedGen C0796004, MONDO:0016512.

Submission:

Labcorp Genetics (formerly Invitae), Labcorp
Classification: Uncertain significance for Kabuki syndrome. Last evaluated: 2024-05-24. Review status: criteria provided, single submitter. Criteria: Invitae Variant Classification Sherloc (09022015). Collection method: clinical testing. Allele origin: germline.
Comment: This sequence change replaces alanine, which is neutral and non-polar, with aspartic acid, which is acidic and polar, at codon 4435 of the KMT2D protein (p.Ala4435Asp). This variant is not present in population databases (gnomAD no frequency). This variant has not been reported in the literature in individuals affected with KMT2D-related conditions. Advanced modeling of protein sequence and biophysical properties (such as structural, functional, and spatial information, amino acid conservation, physicochemical variation, residue mobility, and thermodynamic stability) performed at Invitae indicates that this missense variant is not expected to disrupt KMT2D protein function with a negative predictive value of 95%. In summary, the available evidence is currently insufficient to determine the role of this variant in disease. Therefore, it has been classified as a Variant of Uncertain Significance.